The following is an entry in ClinVar:

NM_201384.3(PLEC):c.6426C>T (p.Ala2142=)

Gene: PLEC (plectin; minus strand). Cytogenetic location: 8q24.3.
Variant type: single nucleotide variant.
Coding change: c.6426C>T on transcript NM_201384.3 (MANE Select); coding-DNA position 6426, C replaced by T.
Protein change: p.Ala2142=; no amino-acid change (alanine 2142 retained).
Molecular consequence: synonymous variant.
Genome position (GRCh38, 1-based): chr8:143,923,503, G>A on the plus strand (C>T on the coding strand, the complement: PLEC is on the minus strand). VCF-style: chr8-143923503-G-A. GRCh37 (hg19) VCF-style: chr8-144997671-G-A.
Other names: c.6507C>T, p.Ala2169= (NM_000445.5); c.6384C>T, p.Ala2128= (NM_201378.4); c.6360C>T, p.Ala2120= (NM_201379.3); c.6837C>T, p.Ala2279= (NM_201380.4); c.6330C>T, p.Ala2110= (NM_201381.3); c.6426C>T, p.Ala2142= (NM_201382.4); c.6438C>T, p.Ala2146= (NM_201383.3).
Identifiers: ClinVar variation 285011 (VCV000285011.63), dbSNP rs200062782, ClinGen allele CA4925999.

ClinVar aggregate classification (germline): Conflicting classifications of pathogenicity. Review status: criteria provided, conflicting classifications (1 of 4 stars). 8 submissions from 8 submitters: Uncertain significance (1); Benign (1); Likely benign (4). 2 of the submissions do not count toward it. Last evaluated 2026-06-01.

Conditions:
Autosomal recessive limb-girdle muscular dystrophy type 2Q (LGMDR17). Also called: MUSCULAR DYSTROPHY, LIMB-GIRDLE, AUTOSOMAL RECESSIVE 17. Identifiers: Orphanet 254361, MedGen C3150989, MONDO:0013390, OMIM 613723.
Epidermolysis bullosa simplex with nail dystrophy (EBS5D). Identifiers: MedGen C4225309, MONDO:0014661, OMIM 616487.
Epidermolysis bullosa simplex 5C, with pyloric atresia (EBS5C). Also called: PLEC-Related Epidermolysis Bullosa with Pyloric Atresia; PLEC1-Related Epidermolysis Bullosa with Pyloric Atresia; Epidermolysis bullosa simplex with pyloric atresia. Identifiers: Orphanet 158684, MedGen C2677349, MONDO:0012807, OMIM 612138.
Epidermolysis bullosa simplex, Ogna type (EBS5A). Also called: Pidermolysis bullosa simplex 5A, Ogna type; EPIDERMOLYSIS BULLOSA SIMPLEX 5A, OGNA TYPE. Identifiers: Orphanet 79401, MedGen C0432317, MONDO:0007555, OMIM 131950.
Epidermolysis bullosa simplex 5B, with muscular dystrophy (EBS5B). Also called: Epidermolysis bullosa simplex with muscular dystrophy; EPIDERMOLYSIS BULLOSA SIMPLEX AND LIMB-GIRDLE MUSCULAR DYSTROPHY. Identifiers: Orphanet 257, MedGen C2931072, MONDO:0009181, OMIM 226670.

Allele frequency attached by ClinVar (database versions not stated): ESP Exome Variant Server 0.00041; ExAC 0.00051; gnomAD 0.00054; 1000 Genomes Project 30x 0.00062; gnomAD exomes 0.00063; 1000 Genomes Project 0.00080; TOPMed 0.00091.
gnomAD v4.1: 799 of 1,597,858 alleles (0.05%); highest among the groups gnomAD compares: Middle Eastern, 0.42%; 3 homozygotes.

Submissions (8):

CeGaT Center for Human Genetics Tuebingen
Classification: Likely benign. Last evaluated: 2026-06-01. Review status: criteria provided, single submitter. Criteria: CeGaT Center For Human Genetics Tuebingen Variant Classification Criteria Version 2. Collection method: clinical testing. Allele origin: germline. Affected: yes. Observed: 11 variant alleles.
Comment: PLEC: BP4, BP7

Labcorp Genetics (formerly Invitae), Labcorp
Classification: Likely benign for Autosomal recessive limb-girdle muscular dystrophy type 2Q; Epidermolysis bullosa simplex, Ogna type; Epidermolysis bullosa simplex with nail dystrophy; Epidermolysis bullosa simplex 5C, with pyloric atresia; Epidermolysis bullosa simplex 5B, with muscular dystrophy. Last evaluated: 2026-01-26. Review status: criteria provided, single submitter. Criteria: Invitae Variant Classification Sherloc (09022015). Collection method: clinical testing. Allele origin: germline.

Blueprint Genetics
Classification: Likely benign. Last evaluated: 2024-10-03. Review status: criteria provided, single submitter. Criteria: ACMG Guidelines, 2015. Collection method: clinical testing. Allele origin: germline.

Athena Diagnostics
Classification: Benign. Last evaluated: 2024-02-15. Review status: criteria provided, single submitter. Criteria: Athena Diagnostics Criteria. Collection method: clinical testing. Allele origin: unknown.

GeneDx
Classification: Likely benign. Last evaluated: 2019-10-08. Review status: criteria provided, single submitter. Criteria: GeneDx Variant Classification Process June 2021. Collection method: clinical testing. Allele origin: germline. Affected: yes.

Eurofins Ntd Llc (ga)
Classification: Uncertain significance. Last evaluated: 2018-06-21. Review status: criteria provided, single submitter. Criteria: EGL ClinVar v180209 classification definitions. Collection method: clinical testing. Allele origin: germline. Observed: 12 variant alleles, 12 heterozygotes.

Clinical Genetics DNA and cytogenetics Diagnostics Lab, Erasmus MC, Erasmus Medical Center
Classification: Likely benign. Review status: no assertion criteria provided. Collection method: clinical testing. Allele origin: germline. Affected: yes. Study: VKGL Data-share Consensus. Not counted in ClinVar's aggregate classification.

Diagnostic Laboratory, Department of Genetics, University Medical Center Groningen
Classification: Likely benign. Review status: no assertion criteria provided. Collection method: clinical testing. Allele origin: germline. Affected: yes. Study: VKGL Data-share Consensus. Not counted in ClinVar's aggregate classification.